The following is an entry in ClinVar:

NM_001128840.3(CACNA1D):c.1087A>G (p.Met363Val)

Gene: CACNA1D (calcium voltage-gated channel subunit alpha1 D; plus strand). Cytogenetic location: 3p21.1.
Variant type: single nucleotide variant.
Coding change: c.1087A>G on transcript NM_001128840.3 (MANE Select); coding-DNA position 1087, A replaced by G.
Protein change: p.Met363Val; replaces methionine 363 with valine.
Molecular consequence: missense variant.
Genome position (GRCh38, 1-based): chr3:53,666,506, A>G. VCF-style: chr3-53666506-A-G. GRCh37 (hg19) VCF-style: chr3-53700533-A-G.
Other names: c.1087A>G, p.Met363Val (NM_000720.4, NM_001128839.3); short protein forms M363V.
Identifiers: ClinVar variation 3602528 (VCV003602528.1).

ClinVar aggregate classification (germline): Uncertain significance (1 of 4 stars; one submission).

gnomAD v4.1: 1 of 1,614,126 alleles (0.000062%); no homozygotes.

Submission:

GeneDx
Classification: Uncertain significance. Last evaluated: 2024-07-30. Review status: criteria provided, single submitter. Criteria: GeneDx Variant Classification Process June 2021. Collection method: clinical testing. Allele origin: germline. Affected: yes.
Comment: Not observed at significant frequency in large population cohorts (gnomAD); In silico analysis supports that this missense variant has a deleterious effect on protein structure/function; Has not been previously published as pathogenic or benign to our knowledge